The following is an entry in ClinVar:

NM_015335.5(MED13L):c.5953C>G (p.Leu1985Val)

Gene: MED13L (mediator complex subunit 13L; minus strand). Cytogenetic location: 12q24.21.
Variant type: single nucleotide variant.
Coding change: c.5953C>G on transcript NM_015335.5 (MANE Select); coding-DNA position 5953, C replaced by G.
Protein change: p.Leu1985Val; replaces leucine 1985 with valine.
Molecular consequence: missense variant.
Genome position (GRCh38, 1-based): chr12:115,970,708, G>C on the plus strand (C>G on the coding strand, the complement: MED13L is on the minus strand). VCF-style: chr12-115970708-G-C. GRCh37 (hg19) VCF-style: chr12-116408513-G-C.
Other names: short protein forms L1985V.
Identifiers: ClinVar variation 1699570 (VCV001699570.2), dbSNP rs2137223609, ClinGen allele CA386876426.

ClinVar aggregate classification (germline): Uncertain significance (1 of 4 stars; one submission).

Submission:

GeneDx
Classification: Uncertain significance. Last evaluated: 2022-01-30. Review status: criteria provided, single submitter. Criteria: GeneDx Variant Classification Process June 2021. Collection method: clinical testing. Allele origin: germline. Affected: yes.
Comment: Not observed at significant frequency in large population cohorts (gnomAD); In silico analysis supports that this missense variant has a deleterious effect on protein structure/function; Has not been previously published as pathogenic or benign to our knowledge